The following is an entry in ClinVar:

NM_022124.6(CDH23):c.7363-8C>A

Gene: CDH23 (cadherin related 23; plus strand). Cytogenetic location: 10q22.1.
Variant type: single nucleotide variant.
Coding change: c.7363-8C>A on transcript NM_022124.6 (MANE Select); 8 bases into the intron before coding-DNA position 7363, C replaced by A.
Molecular consequence: intron variant.
Genome position (GRCh38, 1-based): chr10:71,800,628, C>A. VCF-style: chr10-71800628-C-A. GRCh37 (hg19) VCF-style: chr10-73560385-C-A.
Other names: c.643-8C>A (NM_001171933.1, NM_001171934.1).
Identifiers: ClinVar variation 1333669 (VCV001333669.1), dbSNP rs2132971255, ClinGen allele CA2573053293.
Genomic context (GRCh38, chr10:71,800,628, plus strand): 5'-CCATAGTAGGTGCTCAATAAATATCTTTTGAATGATTGAAGGACCTAAAGCCACCCTCCC[C>A]CTACTAGGGTGACATCTATGTGCTGTCTTCTCTGGACCGGGAGAAGAAGGACCACTATAT-3'

ClinVar aggregate classification (germline): Uncertain significance (1 of 4 stars; one submission).

Conditions:
Autosomal recessive nonsyndromic hearing loss 12. Also called: DEAFNESS, AUTOSOMAL RECESSIVE 12. Identifiers: Orphanet 90636, MedGen C1832394, MONDO:0011067, OMIM 601386.

Submission:

3billion
Classification: Uncertain significance for Autosomal recessive nonsyndromic hearing loss 12. Last evaluated: 2022-01-03. Review status: criteria provided, single submitter. Criteria: ACMG Guidelines, 2015. Collection method: clinical testing. Allele origin: germline. Affected: yes. Observed: 1 heterozygote.
Comment: The variant is not observed in the gnomAD v2.1.1 dataset (PM2_M). In silico tools do not predict the variant to alter splicing and produce an abnormal transcript (SPLICEAI:0.12<=0.2, BP4_P ) Therefore, this variant is classified as uncertain significance according to the recommendation of ACMG/AMP guideline.